The following is an entry in ClinVar:

ClinVar aggregate classification (germline): Benign. Review status: criteria provided, multiple submitters, no conflicts (2 of 4 stars). 12 submissions from 10 submitters: Benign (10). 2 of the submissions do not count toward it. Last evaluated 2026-02-02.

Conditions:
Hereditary spherocytosis type 4. Also called: SLC4A1-Related Spherocytosis. Identifiers: Orphanet 822, MedGen C2675212, MONDO:0012981, OMIM 612653.
Hemolytic anemia. Identifiers: MedGen C0002878, MONDO:0003664, HP:0001878.
Autosomal dominant distal renal tubular acidosis (DRTA1). Also called: RTA, CLASSIC TYPE; RTA, DISTAL TYPE, AUTOSOMAL DOMINANT; RTA, GRADIENT TYPE; Renal Tubular Acidosis, Type I; RENAL TUBULAR ACIDOSIS, DISTAL, 1. Identifiers: Orphanet 93608, MedGen CN280572, MONDO:0008368, OMIM 179800.

Allele frequency attached by ClinVar (database versions not stated): 1000 Genomes Project 0.02296; 1000 Genomes Project 30x 0.02311; TOPMed 0.04894; gnomAD 0.05070 and 0.05230; gnomAD exomes 0.05230 and 0.07013; ExAC 0.05396; ESP Exome Variant Server 0.06082.
gnomAD v4.1: 109,734 of 1,613,902 alleles (6.8%); highest among the groups gnomAD compares: Non-Finnish European, 8.1%; 4,352 homozygotes.

Submissions (12):

Labcorp Genetics (formerly Invitae), Labcorp
Classification: Benign. Last evaluated: 2026-02-02. Review status: criteria provided, single submitter. Criteria: Invitae Variant Classification Sherloc (09022015). Collection method: clinical testing. Allele origin: germline.

ARUP Laboratories, Molecular Genetics and Genomics, ARUP Laboratories
Classification: Benign. Last evaluated: 2025-07-18. Review status: criteria provided, single submitter. Criteria: ARUP Molecular Germline Variant Investigation Process 2024. Collection method: clinical testing. Allele origin: germline.

Blueprint Genetics
Classification: Benign. Last evaluated: 2024-11-27. Review status: criteria provided, single submitter. Criteria: ACMG Guidelines, 2015. Collection method: clinical testing. Allele origin: germline.

Mayo Clinic Laboratories, Mayo Clinic
Classification: Benign. Last evaluated: 2022-05-17. Review status: criteria provided, single submitter. Criteria: ACMG Guidelines, 2015. Collection method: clinical testing. Allele origin: germline. Observed: 292 variant alleles.
Comment: BA1

GeneDx
Classification: Benign. Last evaluated: 2019-11-22. Review status: criteria provided, single submitter. Criteria: GeneDx Variant Classification Process June 2021. Collection method: clinical testing. Allele origin: germline. Affected: yes.

Illumina Laboratory Services, Illumina
Classification: Benign for Hereditary spherocytosis type 4. Last evaluated: 2018-01-13. Review status: criteria provided, single submitter. Criteria: ICSL Variant Classification Criteria 13 December 2019. Collection method: clinical testing. Allele origin: germline.
Comment: This variant was observed in the ICSL laboratory as part of a predisposition screen in an ostensibly healthy population. It had not been previously curated by ICSL or reported in the Human Gene Mutation Database (HGMD: prior to June 1st, 2018), and was therefore a candidate for classification through an automated scoring system. Utilizing variant allele frequency, disease prevalence and penetrance estimates, and inheritance mode, an automated score was calculated to assess if this variant is too frequent to cause the disease. Based on the score and internal cut-off values, a variant classified as benign is not then subjected to further curation. The score for this variant resulted in a classification of benign for this disease.

Illumina Laboratory Services, Illumina
Classification: Benign for Autosomal dominant distal renal tubular acidosis. Last evaluated: 2018-01-13. Review status: criteria provided, single submitter. Criteria: ICSL Variant Classification Criteria 13 December 2019. Collection method: clinical testing. Allele origin: germline.
Comment: the same text as in the submission from Illumina Laboratory Services, Illumina above.

Illumina Laboratory Services, Illumina
Classification: Benign for Hemolytic anemia. Last evaluated: 2018-01-13. Review status: criteria provided, single submitter. Criteria: ICSL Variant Classification Criteria 13 December 2019. Collection method: clinical testing. Allele origin: germline.
Comment: the same text as in the submission from Illumina Laboratory Services, Illumina above.

Breakthrough Genomics
Classification: Benign. Review status: criteria provided, single submitter. Criteria: ACMG Guidelines, 2015. Collection method: not provided. Allele origin: germline. Inheritance: Autosomal recessive inheritance. Affected: yes.

PreventionGenetics, part of Exact Sciences
Classification: Benign. Review status: criteria provided, single submitter. Criteria: ACMG Guidelines, 2015. Collection method: clinical testing. Allele origin: germline.

Genome Diagnostics Laboratory, University Medical Center Utrecht
Classification: Benign. Review status: no assertion criteria provided. Collection method: clinical testing. Allele origin: germline. Affected: yes. Study: VKGL Data-share Consensus. Not counted in ClinVar's aggregate classification.

Joint Genome Diagnostic Labs from Nijmegen and Maastricht, Radboudumc and MUMC+
Classification: Benign. Review status: no assertion criteria provided. Collection method: clinical testing. Allele origin: germline. Affected: yes. Study: VKGL Data-share Consensus. Not counted in ClinVar's aggregate classification.

NM_000342.4(SLC4A1):c.1323G>A (p.Leu441=)

Gene: SLC4A1 (solute carrier family 4 member 1 (Diego blood group); minus strand). Cytogenetic location: 17q21.31.
Variant type: single nucleotide variant.
Coding change: c.1323G>A on transcript NM_000342.4 (MANE Select); coding-DNA position 1323, G replaced by A.
Protein change: p.Leu441=; no amino-acid change (leucine 441 retained).
Molecular consequence: synonymous variant.
Genome position (GRCh38, 1-based): chr17:44,257,767, C>T on the plus strand (G>A on the coding strand, the complement: SLC4A1 is on the minus strand). VCF-style: chr17-44257767-C-T. GRCh37 (hg19) VCF-style: chr17-42335135-C-T.
Other names: p.Leu441=.
Identifiers: ClinVar variation 255905 (VCV000255905.34), dbSNP rs5017, ClinGen allele CA8600299.